The following is an entry in ClinVar:

NM_001017420.3(ESCO2):c.744_747del (p.Ser250fs)

Gene: ESCO2 (establishment of sister chromatid cohesion N-acetyltransferase 2; plus strand). Cytogenetic location: 8p21.1.
Variant type: Deletion.
Coding change: c.744_747del on transcript NM_001017420.3 (MANE Select); coding-DNA positions 744 to 747, 4 bases deleted (TGTC; older notation c.744_747delTGTC).
Protein change: p.Ser250fs; shifts the reading frame from serine 250.
Molecular consequence: frameshift variant.
Genome position (GRCh38, 1-based): chr8:27,777,052-27,777,055, TGTC deleted; deleting any 4 consecutive bases within chr8:27,777,051-27,777,055 gives the same sequence; the c. name uses the placement nearest the transcript's 3' end. VCF-style (leftmost placement, unchanged base first): chr8-27777050-ACTGT-A. GRCh37 (hg19) VCF-style: chr8-27634567-ACTGT-A.
Other names: short protein forms S250fs.
Identifiers: ClinVar variation 1436571 (VCV001436571.6), dbSNP rs2128951287, ClinGen allele CA2573142790.

ClinVar aggregate classification (germline): Pathogenic (1 of 4 stars; one submission).

Submission:

Labcorp Genetics (formerly Invitae), Labcorp
Classification: Pathogenic. Last evaluated: 2021-10-13. Review status: criteria provided, single submitter. Criteria: Invitae Variant Classification Sherloc (09022015). Collection method: clinical testing. Allele origin: germline.
Comment: This variant has not been reported in the literature in individuals affected with ESCO2-related conditions. For these reasons, this variant has been classified as Pathogenic. This variant is not present in population databases (ExAC no frequency). This sequence change creates a premature translational stop signal (p.Ser250Lysfs*16) in the ESCO2 gene. It is expected to result in an absent or disrupted protein product. Loss-of-function variants in ESCO2 are known to be pathogenic (PMID: 15821733, 16380922).

Literature cited by the submitters: PubMed 15821733; PubMed 16380922.